The following is an entry in ClinVar:

ClinVar aggregate classification (germline): Benign (0 of 4 stars; one submission).

Conditions:
CSMD3-related disorder. Also called: CSMD3-related condition.

Allele frequency attached by ClinVar (database versions not stated): ExAC 0.00252; gnomAD 0.00795; ESP Exome Variant Server 0.00823; 1000 Genomes Project 30x 0.00937; 1000 Genomes Project 0.00938; TOPMed 0.00954.
gnomAD v4.1: 2,373 of 1,612,158 alleles (0.15%); highest among the groups gnomAD compares: African/African-American, 2.8%; 30 homozygotes.

Submission:

PreventionGenetics, part of Exact Sciences
Classification: Benign for CSMD3-related condition. Last evaluated: 2019-04-27. Review status: no assertion criteria provided. Collection method: clinical testing. Allele origin: germline.
Comment: This variant is classified as benign based on ACMG/AMP sequence variant interpretation guidelines (Richards et al. 2015 PMID: 25741868, with internal and published modifications).

NM_198123.2(CSMD3):c.746G>A (p.Ser249Asn)

Gene: CSMD3 (CUB and Sushi multiple domains 3; minus strand). Cytogenetic location: 8q23.3.
Variant type: single nucleotide variant.
Coding change: c.746G>A on transcript NM_198123.2 (MANE Select); coding-DNA position 746, G replaced by A.
Protein change: p.Ser249Asn; replaces serine 249 with asparagine.
Molecular consequence: missense variant.
Genome position (GRCh38, 1-based): chr8:113,098,927, C>T on the plus strand (G>A on the coding strand, the complement: CSMD3 is on the minus strand). VCF-style: chr8-113098927-C-T. GRCh37 (hg19) VCF-style: chr8-114111156-C-T.
Other names: c.746G>A, p.Ser249Asn (NM_001363185.1, NM_052900.3); c.626G>A, p.Ser209Asn (NM_198124.2); short protein forms S209N, S249N.
Identifiers: ClinVar variation 3037472 (VCV003037472.2), dbSNP rs73701331, ClinGen allele CA4851151.